The following is an entry in ClinVar:

NM_001291303.3(FAT4):c.9511G>A (p.Gly3171Arg)

Gene: FAT4 (FAT atypical cadherin 4; plus strand). Cytogenetic location: 4q28.1.
Variant type: single nucleotide variant.
Coding change: c.9511G>A on transcript NM_001291303.3 (MANE Select); coding-DNA position 9511, G replaced by A.
Protein change: p.Gly3171Arg; replaces glycine 3171 with arginine.
Molecular consequence: missense variant.
Genome position (GRCh38, 1-based): chr4:125,450,521, G>A. VCF-style: chr4-125450521-G-A. GRCh37 (hg19) VCF-style: chr4-126371676-G-A.
Other names: c.9511G>A, p.Gly3171Arg (NM_001291285.3); c.9505G>A, p.Gly3169Arg (NM_024582.6); short protein forms G3169R, G3171R.
Identifiers: ClinVar variation 1399797 (VCV001399797.4), dbSNP rs746759926, ClinGen allele CA104881841.

ClinVar aggregate classification (germline): Uncertain significance (1 of 4 stars; one submission).

Allele frequency attached by ClinVar (database versions not stated): gnomAD exomes below 0.00001 and 0.00002; TOPMed below 0.00001; gnomAD 0.00001.
gnomAD v4.1: 31 of 1,613,994 alleles (0.0019%); highest among the groups gnomAD compares: Non-Finnish European, 0.0026%; no homozygotes.

Submission:

Labcorp Genetics (formerly Invitae), Labcorp
Classification: Uncertain significance. Last evaluated: 2021-11-12. Review status: criteria provided, single submitter. Criteria: Invitae Variant Classification Sherloc (09022015). Collection method: clinical testing. Allele origin: germline.
Comment: This sequence change replaces glycine, which is neutral and non-polar, with arginine, which is basic and polar, at codon 3169 of the FAT4 protein (p.Gly3169Arg). This variant is present in population databases (rs746759926, gnomAD 0.0009%). In summary, the available evidence is currently insufficient to determine the role of this variant in disease. Therefore, it has been classified as a Variant of Uncertain Significance. Advanced modeling of protein sequence and biophysical properties (such as structural, functional, and spatial information, amino acid conservation, physicochemical variation, residue mobility, and thermodynamic stability) performed at Invitae indicates that this missense variant is not expected to disrupt FAT4 protein function. This variant has not been reported in the literature in individuals affected with FAT4-related conditions.